The following is an entry in ClinVar:

ClinVar aggregate classification (germline): Uncertain significance (1 of 4 stars; one submission).

Conditions:
Dystonic disorder. Also called: Dystonia. Identifiers: MedGen C0013421, MONDO:0003441, HP:0001332.

gnomAD v4.1: 1 of 1,614,170 alleles (0.000062%); highest among the groups gnomAD compares: Non-Finnish European, 0.000085%; no homozygotes.

Submission:

Labcorp Genetics (formerly Invitae), Labcorp
Classification: Uncertain significance for Dystonic disorder. Last evaluated: 2025-08-28. Review status: criteria provided, single submitter. Criteria: Invitae Variant Classification Sherloc (09022015). Collection method: clinical testing. Allele origin: germline.
Comment: This sequence change replaces glycine, which is neutral and non-polar, with tryptophan, which is neutral and slightly polar, at codon 102 of the TOR1A protein (p.Gly102Trp). This variant is not present in population databases (gnomAD no frequency). This variant has not been reported in the literature in individuals affected with TOR1A-related conditions. Invitae Evidence Modeling of protein sequence and biophysical properties (such as structural, functional, and spatial information, amino acid conservation, physicochemical variation, residue mobility, and thermodynamic stability) indicates that this missense variant is expected to disrupt TOR1A protein function with a positive predictive value of 80%. In summary, the available evidence is currently insufficient to determine the role of this variant in disease. Therefore, it has been classified as a Variant of Uncertain Significance.

NM_000113.3(TOR1A):c.304G>T (p.Gly102Trp)

Gene: TOR1A (torsin family 1 member A; minus strand). Cytogenetic location: 9q34.11.
Variant type: single nucleotide variant.
Coding change: c.304G>T on transcript NM_000113.3 (MANE Select); coding-DNA position 304, G replaced by T.
Protein change: p.Gly102Trp; replaces glycine 102 with tryptophan.
Molecular consequence: missense variant.
Genome position (GRCh38, 1-based): chr9:129,822,721, C>A on the plus strand (G>T on the coding strand, the complement: TOR1A is on the minus strand). VCF-style: chr9-129822721-C-A. GRCh37 (hg19) VCF-style: chr9-132585000-C-A.
Other names: short protein forms G102W.
Identifiers: ClinVar variation 4745593 (VCV004745593.1).